The following is an entry in ClinVar:

NM_001104631.2(PDE4D):c.236C>A (p.Pro79His)

Gene: PDE4D (phosphodiesterase 4D; minus strand). Cytogenetic location: 5q12.1.
Variant type: single nucleotide variant.
Coding change: c.236C>A on transcript NM_001104631.2 (MANE Select); coding-DNA position 236, C replaced by A.
Protein change: p.Pro79His; replaces proline 79 with histidine.
Molecular consequence: missense variant. On other transcripts: intron variant (5).
Genome position (GRCh38, 1-based): chr5:59,893,387, G>T on the plus strand (C>A on the coding strand, the complement: PDE4D is on the minus strand). VCF-style: chr5-59893387-G-T. GRCh37 (hg19) VCF-style: chr5-59189214-G-T.
Other names: c.272+95101C>A (NM_001364599.1, NM_001165899.2, NM_001364600.2); c.-240+95101C>A (NM_001349243.2); c.242+95101C>A (NM_001349241.2); short protein forms P79H.
Identifiers: ClinVar variation 1358376 (VCV001358376.8), dbSNP rs925784488, ClinGen allele CA119327198.

ClinVar aggregate classification (germline): Uncertain significance (1 of 4 stars; one submission).

Allele frequency attached by ClinVar (database versions not stated): gnomAD 0.00003.
gnomAD v4.1: 59 of 1,210,282 alleles (0.0049%); highest among the groups gnomAD compares: Non-Finnish European, 0.0059%; no homozygotes.

Submission:

Labcorp Genetics (formerly Invitae), Labcorp
Classification: Uncertain significance. Last evaluated: 2024-04-29. Review status: criteria provided, single submitter. Criteria: Invitae Variant Classification Sherloc (09022015). Collection method: clinical testing. Allele origin: germline.
Comment: This sequence change replaces proline, which is neutral and non-polar, with histidine, which is basic and polar, at codon 79 of the PDE4D protein (p.Pro79His). The frequency data for this variant in the population databases is considered unreliable, as metrics indicate poor data quality at this position in the gnomAD database. This variant has not been reported in the literature in individuals affected with PDE4D-related conditions. ClinVar contains an entry for this variant (Variation ID: 1358376). An algorithm developed to predict the effect of missense changes on protein structure and function (PolyPhen-2) suggests that this variant is likely to be tolerated. In summary, the available evidence is currently insufficient to determine the role of this variant in disease. Therefore, it has been classified as a Variant of Uncertain Significance.